The following is an entry in ClinVar:

ClinVar aggregate classification (germline): Likely pathogenic. Review status: criteria provided, single submitter (1 of 4 stars). 2 submissions from 2 submitters: Likely pathogenic (1). 1 of the submissions does not count toward it. Last evaluated 2024-09-30.

Conditions:
TTN-related disorder. Also called: TTN-related condition; TTN-related disease; TTN-related disorders.
Dilated cardiomyopathy 1G (CMD1G). Identifiers: Orphanet 154, MedGen C1858763, MONDO:0011400, OMIM 604145.
Autosomal recessive limb-girdle muscular dystrophy type 2J (LGMDR10). Also called: Limb-girdle muscular dystrophy, type 2J; MUSCULAR DYSTROPHY, LIMB-GIRDLE, AUTOSOMAL RECESSIVE 10. Identifiers: Orphanet 140922, MedGen C1837342, MONDO:0012127, OMIM 608807.

gnomAD v4.1: 2 of 1,608,058 alleles (0.00012%); highest among the groups gnomAD compares: Non-Finnish European, 0.00017%; no homozygotes.

Submissions (2):

Labcorp Genetics (formerly Invitae), Labcorp
Classification: Likely pathogenic for Dilated cardiomyopathy 1G; Autosomal recessive limb-girdle muscular dystrophy type 2J. Last evaluated: 2024-09-30. Review status: criteria provided, single submitter. Criteria: Invitae Variant Classification Sherloc (09022015). Collection method: clinical testing. Allele origin: germline.
Comment: This sequence change affects a donor splice site in intron 88 of the TTN gene. It is expected to disrupt RNA splicing and likely results in a truncated or disrupted TTN protein. This variant is present in population databases (rs769452066, gnomAD 0.0009%). This variant has not been reported in the literature in individuals affected with TTN-related conditions. ClinVar contains an entry for this variant (Variation ID: 1516031). Algorithms developed to predict the effect of sequence changes on RNA splicing suggest that this variant may disrupt the consensus splice site. This variant is located in the I band of TTN (PMID: 25589632). Truncating variants in this region have been reported in individuals affected with autosomal recessive centronuclear myopathy (PMID: 23975875, internal data). Truncating variants in this region have also been identified in individuals affected with autosomal dominant dilated cardiomyopathy and/or cardio-related conditions (PMID: 27869827, 32964742, internal data). In summary, the currently available evidence indicates that the variant is pathogenic, but additional data are needed to prove that conclusively. Therefore, this variant has been classified as Likely Pathogenic.

PreventionGenetics, part of Exact Sciences
Classification: Likely pathogenic for TTN-related condition. Last evaluated: 2023-12-13. Review status: no assertion criteria provided. Collection method: clinical testing. Allele origin: germline. Not counted in ClinVar's aggregate classification.
Comment: The TTN c.25639+2T>C variant is predicted to disrupt the GT donor site and interfere with normal splicing. This variant is located in the TTN protein I-band region and no other truncating or splice variants in this exon have been previously reported (Human Gene Mutation Database). RNAseq studies from heart tissue indicate this exon is not commonly included in TTN mRNA transcripts (PSI of 8%-37%); however, this analysis in muscle tissue was not performed (Roberts A.M. et al. 2015. PMID: 25589632). TTN truncating variants are reported in 1-2% of presumably healthy individuals and occur more frequently in exons with low PSI values, indicating this variant is less likely to be a risk variant for TTN-related cardiac disorders (Roberts A.M. et al. 2015. PMID: 25589632; Herman D.S. et al. 2012. PMID: 22335739). However, many cases of recessive TTN-related myopathies in which the individual is compound heterozygous for two loss of function variants in TTN have also been reported (See Ceyhan-Birsoy O. et al. 2013. PMID: 23975875; Chauveau C et al. 2014. PMID: 24105469; Evilä A et al. 2016. PMID: 27796757; Ge et al. 2019. PubMed ID: 31053406). This variant is reported in 0.00090% of alleles in individuals of European (Non-Finnish) descent in gnomAD. In summary, the c.25639+2T>C variant is interpreted as likely pathogenic for recessive TTN-related disorders and uncertain for dominant TTN-related disorders.

Literature cited by the submitters: PubMed 25589632 (cited by Labcorp Genetics (formerly Invitae), Labcorp); PubMed 23975875 (cited by Labcorp Genetics (formerly Invitae), Labcorp); PubMed 27869827 (cited by Labcorp Genetics (formerly Invitae), Labcorp); PubMed 32964742 (cited by Labcorp Genetics (formerly Invitae), Labcorp).

NM_001267550.2(TTN):c.25639+2T>C

Gene: TTN (titin; minus strand). Cytogenetic location: 2q31.2.
Variant type: single nucleotide variant.
Coding change: c.25639+2T>C on transcript NM_001267550.2 (MANE Select); the canonical splice donor site of the intron after coding-DNA position 25639, T replaced by C.
Molecular consequence: splice donor variant. On other transcripts: intron variant (3).
Genome position (GRCh38, 1-based): chr2:178,717,093, A>G on the plus strand (T>C on the coding strand, the complement: TTN is on the minus strand). VCF-style: chr2-178717093-A-G. GRCh37 (hg19) VCF-style: chr2-179581820-A-G.
Other names: c.13282+20989T>C (NM_003319.4); c.13858+20989T>C (NM_133437.4); c.13657+20989T>C (NM_133432.3); c.21907+2T>C (NM_133378.4); c.24688+2T>C (NM_001256850.1).
Identifiers: ClinVar variation 1516031 (VCV001516031.10), dbSNP rs769452066, ClinGen allele CA2000184.